The following is an entry in ClinVar:

NM_173728.4(ARHGEF15):c.748C>T (p.Arg250Cys)

Gene: ARHGEF15 (Rho guanine nucleotide exchange factor 15; plus strand). Cytogenetic location: 17p13.1.
Variant type: single nucleotide variant.
Coding change: c.748C>T on transcript NM_173728.4 (MANE Select); coding-DNA position 748, C replaced by T.
Protein change: p.Arg250Cys; replaces arginine 250 with cysteine.
Molecular consequence: missense variant.
Genome position (GRCh38, 1-based): chr17:8,313,068, C>T. VCF-style: chr17-8313068-C-T. GRCh37 (hg19) VCF-style: chr17-8216386-C-T.
Other names: c.748C>T, p.Arg250Cys (NM_025014.2); short protein forms R250C.
Identifiers: ClinVar variation 664902 (VCV000664902.9), dbSNP rs756569021, ClinGen allele CA8374974.

ClinVar aggregate classification (germline): Uncertain significance (1 of 4 stars; one submission).

Conditions:
Early-infantile DEE. Also called: Early infantile epileptic encephalopathy; Ohtahara syndrome; Early infantile epileptic encephalopathy with suppression bursts. Identifiers: Orphanet 1934, MedGen C0393706, MONDO:0800491.

Allele frequency attached by ClinVar (database versions not stated): ExAC 0.00001; gnomAD 0.00001; TOPMed 0.00001.

Submission:

Labcorp Genetics (formerly Invitae), Labcorp
Classification: Uncertain significance for Early-infantile DEE. Last evaluated: 2024-07-19. Review status: criteria provided, single submitter. Criteria: Invitae Variant Classification Sherloc (09022015). Collection method: clinical testing. Allele origin: germline.
Comment: This sequence change replaces arginine, which is basic and polar, with cysteine, which is neutral and slightly polar, at codon 250 of the ARHGEF15 protein (p.Arg250Cys). This variant is not present in population databases (gnomAD no frequency). This variant has not been reported in the literature in individuals affected with ARHGEF15-related conditions. ClinVar contains an entry for this variant (Variation ID: 664902). An algorithm developed to predict the effect of missense changes on protein structure and function (PolyPhen-2) suggests that this variant is likely to be tolerated. In summary, the available evidence is currently insufficient to determine the role of this variant in disease. Therefore, it has been classified as a Variant of Uncertain Significance.